The following is an entry in ClinVar:

NM_000528.4(MAN2B1):c.1801del (p.Trp601fs)

Gene: MAN2B1 (mannosidase alpha class 2B member 1; minus strand). Cytogenetic location: 19p13.13.
Variant type: Deletion.
Coding change: c.1801del on transcript NM_000528.4 (MANE Select); coding-DNA position 1801, one base deleted (T; older notation c.1801delT).
Protein change: p.Trp601fs; shifts the reading frame from tryptophan 601.
Molecular consequence: frameshift variant.
Genome position (GRCh38, 1-based): chr19:12,655,723, A deleted on the plus strand (T on the coding strand, the reverse complement: MAN2B1 is on the minus strand). VCF-style (leftmost placement, unchanged base first): chr19-12655722-CA-C. GRCh37 (hg19) VCF-style: chr19-12766536-CA-C.
Other names: c.1798del, p.Trp600fs (NM_001173498.2); short protein forms W600fs, W601fs.
Identifiers: ClinVar variation 1414117 (VCV001414117.6), dbSNP rs2145250113, ClinGen allele CA2573156083.

ClinVar aggregate classification (germline): Pathogenic (1 of 4 stars; one submission).

Conditions:
Deficiency of alpha-mannosidase (MANSA). Also called: Alpha-Mannosidosis; LYSOSOMAL ALPHA-D-MANNOSIDASE DEFICIENCY; Mannosidosis, alpha-, types I and II. Identifiers: Orphanet 61, MedGen C0024748, MONDO:0009561, OMIM 248500.

Allele frequency attached by ClinVar (database versions not stated): gnomAD exomes 0.00001.

Submission:

Labcorp Genetics (formerly Invitae), Labcorp
Classification: Pathogenic for Deficiency of alpha-mannosidase. Last evaluated: 2022-07-06. Review status: criteria provided, single submitter. Criteria: Invitae Variant Classification Sherloc (09022015). Collection method: clinical testing. Allele origin: germline.
Comment: For these reasons, this variant has been classified as Pathogenic. ClinVar contains an entry for this variant (Variation ID: 1414117). This variant has not been reported in the literature in individuals affected with MAN2B1-related conditions. This variant is not present in population databases (gnomAD no frequency). This sequence change creates a premature translational stop signal (p.Trp601Glyfs*5) in the MAN2B1 gene. It is expected to result in an absent or disrupted protein product. Loss-of-function variants in MAN2B1 are known to be pathogenic (PMID: 9915946, 22161967).

Literature cited by the submitters: PubMed 9915946; PubMed 22161967.